The following is an entry in ClinVar:

ClinVar aggregate classification (germline): Uncertain significance. Review status: criteria provided, multiple submitters, no conflicts (2 of 4 stars). 2 submissions from 2 submitters: Uncertain significance (2). Last evaluated 2024-07-24.

Conditions:
Emery-Dreifuss muscular dystrophy 5, autosomal dominant (EDMD5). Also called: EMERY-DREIFUSS MUSCULAR DYSTROPHY 5. Identifiers: Orphanet 261, MedGen C2751805, MONDO:0013072, OMIM 612999.

Allele frequency attached by ClinVar (database versions not stated): gnomAD exomes below 0.00001; gnomAD 0.00001.
gnomAD v4.1: 3 of 1,613,934 alleles (0.00019%); highest among the groups gnomAD compares: African/African-American, 0.0027%; no homozygotes.

Submissions (2):

Labcorp Genetics (formerly Invitae), Labcorp
Classification: Uncertain significance for Emery-Dreifuss muscular dystrophy 5, autosomal dominant. Last evaluated: 2024-07-24. Review status: criteria provided, single submitter. Criteria: Invitae Variant Classification Sherloc (09022015). Collection method: clinical testing. Allele origin: germline.
Comment: This sequence change replaces glutamic acid, which is acidic and polar, with lysine, which is basic and polar, at codon 3981 of the SYNE2 protein (p.Glu3981Lys). This variant is not present in population databases (gnomAD no frequency). This variant has not been reported in the literature in individuals affected with SYNE2-related conditions. ClinVar contains an entry for this variant (Variation ID: 2613779). An algorithm developed to predict the effect of missense changes on protein structure and function (PolyPhen-2) suggests that this variant is likely to be disruptive. In summary, the available evidence is currently insufficient to determine the role of this variant in disease. Therefore, it has been classified as a Variant of Uncertain Significance.

Ambry Genetics
Classification: Uncertain significance. Last evaluated: 2023-07-25. Review status: criteria provided, single submitter. Criteria: Ambry Variant Classification Scheme 2023. Collection method: clinical testing. Allele origin: germline.

NM_182914.3(SYNE2):c.11941G>A (p.Glu3981Lys)

Gene: SYNE2 (spectrin repeat containing nuclear envelope protein 2; plus strand). Cytogenetic location: 14q23.2.
Variant type: single nucleotide variant.
Coding change: c.11941G>A on transcript NM_182914.3 (MANE Select); coding-DNA position 11941, G replaced by A.
Protein change: p.Glu3981Lys; replaces glutamic acid 3981 with lysine.
Molecular consequence: missense variant.
Genome position (GRCh38, 1-based): chr14:64,091,013, G>A. VCF-style: chr14-64091013-G-A. GRCh37 (hg19) VCF-style: chr14-64557731-G-A.
Other names: c.11941G>A, p.Glu3981Lys (NM_015180.6); short protein forms E3981K.
Identifiers: ClinVar variation 2613779 (VCV002613779.4), dbSNP rs2097607724, ClinGen allele CA389949315.